The following is an entry in ClinVar:

ClinVar aggregate classification (germline): Benign. Review status: criteria provided, multiple submitters, no conflicts (2 of 4 stars). 14 submissions from 12 submitters: Benign (11). 3 of the submissions do not count toward it. Last evaluated 2026-02-04.

Conditions:
Brain small vessel disease 1 with or without ocular anomalies (BSVD1). Also called: BRAIN SMALL VESSEL DISEASE WITH HEMORRHAGE; PORENCEPHALY, TYPE 1, AUTOSOMAL DOMINANT; GOULD SYNDROME 1; Brain small vessel disease with or without ocular anomalies. Identifiers: Orphanet 2940, Orphanet 36383, Orphanet 99810, MedGen C4755307, MONDO:0008289, OMIM 175780.
Autosomal dominant familial hematuria-retinal arteriolar tortuosity-contractures syndrome. Also called: Angiopathy, hereditary, with nephropathy, aneurysms, and muscle cramps; Hereditary Angiopathy with Nephropathy, Aneurysms, and Muscle Cramps (HANAC) Syndrome. Identifiers: Orphanet 73229, MedGen C2673195, MONDO:0012726, OMIM 611773.

Allele frequency attached by ClinVar (database versions not stated): TOPMed 0.56483; gnomAD 0.56762 and 0.57383; ESP Exome Variant Server 0.56866; 1000 Genomes Project 30x 0.58604; 1000 Genomes Project 0.59605; gnomAD exomes 0.62046 and 0.63774; ExAC 0.62105.
gnomAD v4.1: 1,015,735 of 1,607,206 alleles (63%); highest among the groups gnomAD compares: East Asian, 77%; 325,232 homozygotes.

Submissions (14):

Labcorp Genetics (formerly Invitae), Labcorp
Classification: Benign. Last evaluated: 2026-02-04. Review status: criteria provided, single submitter. Criteria: Invitae Variant Classification Sherloc (09022015). Collection method: clinical testing. Allele origin: germline.

Blueprint Genetics
Classification: Benign. Last evaluated: 2024-11-27. Review status: criteria provided, single submitter. Criteria: ACMG Guidelines, 2015. Collection method: clinical testing. Allele origin: germline.

Mayo Clinic Laboratories, Mayo Clinic
Classification: Benign. Last evaluated: 2022-04-26. Review status: criteria provided, single submitter. Criteria: ACMG Guidelines, 2015. Collection method: clinical testing. Allele origin: germline. Observed: 984 variant alleles.

Genome-Nilou Lab
Classification: Benign for Autosomal dominant familial hematuria-retinal arteriolar tortuosity-contractures syndrome. Last evaluated: 2021-07-22. Review status: criteria provided, single submitter. Criteria: ACMG Guidelines, 2015. Collection method: clinical testing. Allele origin: germline. Affected: no.

Genome-Nilou Lab
Classification: Benign for Brain small vessel disease 1 with or without ocular anomalies. Last evaluated: 2021-07-22. Review status: criteria provided, single submitter. Criteria: ACMG Guidelines, 2015. Collection method: clinical testing. Allele origin: germline. Affected: no.

Athena Diagnostics
Classification: Benign. Last evaluated: 2021-06-02. Review status: criteria provided, single submitter. Criteria: Athena Diagnostics criteria. Collection method: clinical testing. Allele origin: unknown.

Illumina Laboratory Services, Illumina
Classification: Benign for Brain small vessel disease 1 with or without ocular anomalies. Last evaluated: 2018-01-13. Review status: criteria provided, single submitter. Criteria: ICSL Variant Classification Criteria 13 December 2019. Collection method: clinical testing. Allele origin: germline.
Comment: This variant was observed in the ICSL laboratory as part of a predisposition screen in an ostensibly healthy population. It had not been previously curated by ICSL or reported in the Human Gene Mutation Database (HGMD: prior to June 1st, 2018), and was therefore a candidate for classification through an automated scoring system. Utilizing variant allele frequency, disease prevalence and penetrance estimates, and inheritance mode, an automated score was calculated to assess if this variant is too frequent to cause the disease. Based on the score and internal cut-off values, a variant classified as benign is not then subjected to further curation. The score for this variant resulted in a classification of benign for this disease.

Illumina Laboratory Services, Illumina
Classification: Benign for Autosomal dominant familial hematuria-retinal arteriolar tortuosity-contractures syndrome. Last evaluated: 2018-01-13. Review status: criteria provided, single submitter. Criteria: ICSL Variant Classification Criteria 13 December 2019. Collection method: clinical testing. Allele origin: germline.
Comment: the same text as in the submission from Illumina Laboratory Services, Illumina above.

GeneDx
Classification: Benign. Last evaluated: 2015-03-03. Review status: criteria provided, single submitter. Criteria: GeneDx Variant Classification Process June 2021. Collection method: clinical testing. Allele origin: germline. Affected: yes.

Breakthrough Genomics
Classification: Benign. Review status: criteria provided, single submitter. Criteria: ACMG Guidelines, 2015. Collection method: not provided. Allele origin: germline. Inheritance: Autosomal dominant inheritance. Affected: yes.

PreventionGenetics, part of Exact Sciences
Classification: Benign. Review status: criteria provided, single submitter. Criteria: ACMG Guidelines, 2015. Collection method: clinical testing. Allele origin: germline.

Clinical Genetics DNA and cytogenetics Diagnostics Lab, Erasmus MC, Erasmus Medical Center
Classification: Benign. Review status: no assertion criteria provided. Collection method: clinical testing. Allele origin: germline. Affected: yes. Study: VKGL Data-share Consensus. Not counted in ClinVar's aggregate classification.

Diagnostic Laboratory, Department of Genetics, University Medical Center Groningen
Classification: Benign. Review status: no assertion criteria provided. Collection method: clinical testing. Allele origin: germline. Affected: yes. Study: VKGL Data-share Consensus. Not counted in ClinVar's aggregate classification.

Joint Genome Diagnostic Labs from Nijmegen and Maastricht, Radboudumc and MUMC+
Classification: Benign. Review status: no assertion criteria provided. Collection method: clinical testing. Allele origin: germline. Affected: yes. Study: VKGL Data-share Consensus. Not counted in ClinVar's aggregate classification.

NM_001845.6(COL4A1):c.780+7G>A

Gene: COL4A1 (collagen type IV alpha 1 chain; minus strand). Cytogenetic location: 13q34.
Variant type: single nucleotide variant.
Coding change: c.780+7G>A on transcript NM_001845.6 (MANE Select); 7 bases into the intron after coding-DNA position 780, G replaced by A.
Molecular consequence: intron variant.
Genome position (GRCh38, 1-based): chr13:110,207,396, C>T on the plus strand (G>A on the coding strand, the complement: COL4A1 is on the minus strand). VCF-style: chr13-110207396-C-T. GRCh37 (hg19) VCF-style: chr13-110859743-C-T.
Other names: p.?; c.780+7G>A (NM_001303110.2).
Identifiers: ClinVar variation 258262 (VCV000258262.30), dbSNP rs598893, ClinGen allele CA7048335.
Genomic context (GRCh38, chr13:110,207,396, plus strand): 5'-TCTCTTTATCTTTTGGAATTTGTCCAAAATTAGAAAATCAGTATTCACTGATGAAGCCCA[C>T]TCATACCTTTTCTCCCTTGGTGGCGAAGTCTCCTTTTTCTTGAACTTGAGCTTGTCCTGG-3'